The following is an entry in ClinVar:

ClinVar aggregate classification (germline): Uncertain significance (1 of 4 stars; one submission).

Conditions:
Primary ciliary dyskinesia. Also called: Ciliary dyskinesia. Identifiers: Orphanet 244, MedGen C0008780, MONDO:0016575, HP:0012265.

Submission:

Labcorp Genetics (formerly Invitae), Labcorp
Classification: Uncertain significance for Primary ciliary dyskinesia. Last evaluated: 2022-06-04. Review status: criteria provided, single submitter. Criteria: Invitae Variant Classification Sherloc (09022015). Collection method: clinical testing. Allele origin: germline.
Comment: This sequence change replaces arginine, which is basic and polar, with threonine, which is neutral and polar, at codon 2654 of the DNAH8 protein (p.Arg2654Thr). This variant is not present in population databases (gnomAD no frequency). This variant has not been reported in the literature in individuals affected with DNAH8-related conditions. ClinVar contains an entry for this variant (Variation ID: 963490). Algorithms developed to predict the effect of missense changes on protein structure and function are either unavailable or do not agree on the potential impact of this missense change (SIFT: "Deleterious"; PolyPhen-2: "Not Available"; Align-GVGD: "Class C0"). In summary, the available evidence is currently insufficient to determine the role of this variant in disease. Therefore, it has been classified as a Variant of Uncertain Significance.

NM_001206927.2(DNAH8):c.7961G>C (p.Arg2654Thr)

Gene: DNAH8 (dynein axonemal heavy chain 8; plus strand). Cytogenetic location: 6p21.2.
Variant type: single nucleotide variant.
Coding change: c.7961G>C on transcript NM_001206927.2 (MANE Select); coding-DNA position 7961, G replaced by C.
Protein change: p.Arg2654Thr; replaces arginine 2654 with threonine.
Molecular consequence: missense variant.
Genome position (GRCh38, 1-based): chr6:38,883,012, G>C. VCF-style: chr6-38883012-G-C. GRCh37 (hg19) VCF-style: chr6-38850788-G-C.
Other names: c.7310G>C, p.Arg2437Thr (NM_001371.4); short protein forms R2437T, R2654T.
Identifiers: ClinVar variation 963490 (VCV000963490.10), dbSNP rs1778625788, ClinGen allele CA363991331.
Genomic context (GRCh38, chr6:38,883,012, plus strand): 5'-ATCCAACTGACAGTATTCCGGAATATTCATCAATTTTGGTTCCAAATGTTGACAATATTA[G>C]AACAAATTTTTTGATAGACACCATTGCAAAACAACATAAAGTAAGTTTAATAGATAGTTC-3'
Protein context (NP_001193856.1, residues 2644-2664): SILVPNVDNI[Arg2654Thr]TNFLIDTIAK